The following is an entry in ClinVar:

ClinVar aggregate classification (germline): Uncertain significance (0 of 4 stars; one submission).

Conditions:
NOTCH1-related disorder. Also called: NOTCH1-related condition; NOTCH1-related disorders.

Submission:

PreventionGenetics, part of Exact Sciences
Classification: Uncertain significance for NOTCH1-related condition. Last evaluated: 2024-06-22. Review status: no assertion criteria provided. Collection method: clinical testing. Allele origin: germline.
Comment: The NOTCH1 c.5506G>C variant is predicted to result in the amino acid substitution p.Asp1836His. To our knowledge, this variant has not been reported in the literature or in a large population database, indicating this variant is rare. At this time, the clinical significance of this variant is uncertain due to the absence of conclusive functional and genetic evidence.

NM_017617.5(NOTCH1):c.5506G>C (p.Asp1836His)

Gene: NOTCH1 (notch receptor 1; minus strand). Cytogenetic location: 9q34.3.
Variant type: single nucleotide variant.
Coding change: c.5506G>C on transcript NM_017617.5 (MANE Select); coding-DNA position 5506, G replaced by C.
Protein change: p.Asp1836His; replaces aspartic acid 1836 with histidine.
Molecular consequence: missense variant.
Genome position (GRCh38, 1-based): chr9:136,501,880, C>G on the plus strand (G>C on the coding strand, the complement: NOTCH1 is on the minus strand). VCF-style: chr9-136501880-C-G. GRCh37 (hg19) VCF-style: chr9-139396332-C-G.
Other names: short protein forms D1836H.
Identifiers: ClinVar variation 3347943 (VCV003347943.1).
Genomic context (GRCh38, chr9:136,501,880, plus strand): 5'-ACATGCGCAGGTCAGCGGCATCCAGGTGCTGCTGAGTCCACTGCCGGTGGTCTGTCTGGT[C>G]GTCCAGGTCAGGCAGAACCACGGGCTCCTCGAACTACATAGAGGGAGTGAGCAGAGCCTG-3'
Protein context (NP_060087.3, residues 1826-1846): EEPVVLPDLD[Asp1836His]QTDHRQWTQQ